The following is an entry in ClinVar:

NM_019842.4(KCNQ5):c.2131A>G (p.Ser711Gly)

Gene: KCNQ5 (potassium voltage-gated channel subfamily Q member 5; plus strand). Cytogenetic location: 6q13.
Variant type: single nucleotide variant.
Coding change: c.2131A>G on transcript NM_019842.4 (MANE Select); coding-DNA position 2131, A replaced by G.
Protein change: p.Ser711Gly; replaces serine 711 with glycine.
Molecular consequence: missense variant.
Genome position (GRCh38, 1-based): chr6:73,194,746, A>G. VCF-style: chr6-73194746-A-G. GRCh37 (hg19) VCF-style: chr6-73904469-A-G.
Other names: c.2104A>G, p.Ser702Gly (NM_001160130.2); c.2161A>G, p.Ser721Gly (NM_001160132.2); c.2188A>G, p.Ser730Gly (NM_001160133.2); c.1801A>G, p.Ser601Gly (NM_001160134.2); c.2188A>G (NM_001160133.1); short protein forms S601G, S711G, S730G, S702G, S721G.
Identifiers: ClinVar variation 1483497 (VCV001483497.14), dbSNP rs766992339, ClinGen allele CA3887215.

ClinVar aggregate classification (germline): Benign/Likely benign. Review status: criteria provided, multiple submitters, no conflicts (2 of 4 stars). 3 submissions from 3 submitters: Benign (1); Likely benign (2). Last evaluated 2025-11-26.

Conditions:
Inborn genetic diseases. Identifiers: MedGen C0950123, MeSH D030342.

Allele frequency attached by ClinVar (database versions not stated): ExAC 0.00002.
gnomAD v4.1: 6 of 1,614,268 alleles (0.00037%); highest among the groups gnomAD compares: Admixed American, 0.0067%; no homozygotes.

Submissions (3):

Ambry Genetics
Classification: Likely benign for Inborn genetic diseases. Last evaluated: 2025-11-26. Review status: criteria provided, single submitter. Criteria: Ambry Variant Classification Scheme 2023. Collection method: clinical testing. Allele origin: germline.

CeGaT Center for Human Genetics Tuebingen
Classification: Likely benign. Last evaluated: 2025-08-01. Review status: criteria provided, single submitter. Criteria: CeGaT Center For Human Genetics Tuebingen Variant Classification Criteria Version 2. Collection method: clinical testing. Allele origin: germline. Affected: yes. Observed: 1 variant allele.
Comment: KCNQ5: BS2

Labcorp Genetics (formerly Invitae), Labcorp
Classification: Benign. Last evaluated: 2023-07-17. Review status: criteria provided, single submitter. Criteria: Invitae Variant Classification Sherloc (09022015). Collection method: clinical testing. Allele origin: germline.